The following is an entry in ClinVar:

NM_004656.4(BAP1):c.145_146insATATACTTCAATGGATCCATA (p.Leu49delinsHisIleLeuGlnTrpIleHisMet)

Gene: BAP1 (BRCA1 associated deubiquitinase 1; minus strand). Cytogenetic location: 3p21.1.
Variant type: Insertion.
Coding change: c.145_146insATATACTTCAATGGATCCATA on transcript NM_004656.4 (MANE Select); coding-DNA positions 145 to 146, ATATACTTCAATGGATCCATA inserted.
Protein change: p.Leu49delinsHisIleLeuGlnTrpIleHisMet.
Molecular consequence: inframe indel.
Genome position: GRCh38 VCF-style: chr3-52408583-A-ATATGGATCCATTGAAGTATAT. GRCh37 (hg19) VCF-style: chr3-52442599-A-ATATGGATCCATTGAAGTATAT.
Other names: c.145_146insATATACTTCAATGGATCCATA, p.Leu49delinsHisIleLeuGlnTrpIleHisMet (NM_001410772.1).
Identifiers: ClinVar variation 2747018 (VCV002747018.3), dbSNP rs2471358600, ClinGen allele CA2697556704.

ClinVar aggregate classification (germline): Uncertain significance (1 of 4 stars; one submission).

Conditions:
BAP1-related tumor predisposition syndrome (TPDS1). Also called: Tumor susceptibility linked to germline BAP1 mutations; COMMON Syndrome; TUMOR PREDISPOSITION SYNDROME 1; BAP1 tumor predisposition syndrome. Identifiers: Orphanet 289539, MedGen C3280492, MONDO:0013692, OMIM 614327.

Submission:

Labcorp Genetics (formerly Invitae), Labcorp
Classification: Uncertain significance for BAP1-related tumor predisposition syndrome. Last evaluated: 2023-07-26. Review status: criteria provided, single submitter. Criteria: Invitae Variant Classification Sherloc (09022015). Collection method: clinical testing. Allele origin: germline.
Comment: Experimental studies and prediction algorithms are not available or were not evaluated, and the functional significance of this variant is currently unknown. This variant, c.145_146ins21, is a complex sequence change that results in the deletion of 1 and insertion of 8 amino acid(s) in the BAP1 protein (p.Leu49delins8). This variant is not present in population databases (gnomAD no frequency). This variant has not been reported in the literature in individuals affected with BAP1-related conditions. In summary, the available evidence is currently insufficient to determine the role of this variant in disease. Therefore, it has been classified as a Variant of Uncertain Significance.